The following is an entry in ClinVar:

ClinVar aggregate classification (germline): Conflicting classifications of pathogenicity. Review status: criteria provided, conflicting classifications (1 of 4 stars). 10 submissions from 10 submitters: Uncertain significance (1); Benign (3); Likely benign (4). 2 of the submissions do not count toward it. Last evaluated 2026-04-01.

Conditions:
Mitochondrial complex I deficiency, nuclear type 1. Also called: NADH-COENZYME Q REDUCTASE DEFICIENCY; MITOCHONDRIAL NADH DEHYDROGENASE COMPONENT OF COMPLEX I, DEFICIENCY OF. Identifiers: MedGen C6022305, MONDO:0100224, OMIM 252010.

Allele frequency attached by ClinVar (database versions not stated): 1000 Genomes Project 30x 0.00062; 1000 Genomes Project 0.00080; gnomAD exomes 0.00259 and 0.00439; TOPMed 0.00270; gnomAD 0.00285 and 0.00301; ExAC 0.00290; ESP Exome Variant Server 0.00369.
gnomAD v4.1: 6,789 of 1,614,136 alleles (0.42%); highest among the groups gnomAD compares: Non-Finnish European, 0.52%; 22 homozygotes.

Submissions (10):

CeGaT Center for Human Genetics Tuebingen
Classification: Likely benign. Last evaluated: 2026-04-01. Review status: criteria provided, single submitter. Criteria: CeGaT Center For Human Genetics Tuebingen Variant Classification Criteria Version 2. Collection method: clinical testing. Allele origin: germline. Affected: yes. Observed: 13 variant alleles.
Comment: FOXRED1: BP4, BS2

Labcorp Genetics (formerly Invitae), Labcorp
Classification: Benign. Last evaluated: 2026-02-02. Review status: criteria provided, single submitter. Criteria: Invitae Variant Classification Sherloc (09022015). Collection method: clinical testing. Allele origin: germline.

Mayo Clinic Laboratories, Mayo Clinic
Classification: Benign. Last evaluated: 2025-05-06. Review status: criteria provided, single submitter. Criteria: ACMG Guidelines, 2015. Collection method: clinical testing. Allele origin: germline. Observed: 6 variant alleles.
Comment: BS1, BS2, BP4_moderate

Blueprint Genetics
Classification: Likely benign. Last evaluated: 2024-11-25. Review status: criteria provided, single submitter. Criteria: ACMG Guidelines, 2015. Collection method: clinical testing. Allele origin: germline.

Illumina Laboratory Services, Illumina
Classification: Uncertain significance for Mitochondrial complex I deficiency, nuclear type 1. Last evaluated: 2018-01-13. Review status: criteria provided, single submitter. Criteria: ICSL Variant Classification Criteria 13 December 2019. Collection method: clinical testing. Allele origin: germline.

Eurofins Ntd Llc (ga)
Classification: Likely benign. Last evaluated: 2016-09-05. Review status: criteria provided, single submitter. Criteria: EGL Classification Definitions 2015. Collection method: clinical testing. Allele origin: germline. Observed: 1 variant allele, 1 heterozygote.

Genetic Services Laboratory, University of Chicago
Classification: Likely benign. Last evaluated: 2016-01-21. Review status: criteria provided, single submitter. Criteria: ACMG Guidelines, 2015. Collection method: clinical testing. Allele origin: germline. Affected: no.

GeneDx
Classification: Benign. Last evaluated: 2013-11-19. Review status: criteria provided, single submitter. Criteria: GeneDx Variant Classification (06012015). Collection method: clinical testing. Allele origin: germline. Affected: yes.
Comment: This variant is considered likely benign or benign based on one or more of the following criteria: it is a conservative change, it occurs at a poorly conserved position in the protein, it is predicted to be benign by multiple in silico algorithms, and/or has population frequency not consistent with disease.

Clinical Genetics DNA and cytogenetics Diagnostics Lab, Erasmus MC, Erasmus Medical Center
Classification: Likely benign. Review status: no assertion criteria provided. Collection method: clinical testing. Allele origin: germline. Affected: yes. Study: VKGL Data-share Consensus. Not counted in ClinVar's aggregate classification.

Diagnostic Laboratory, Department of Genetics, University Medical Center Groningen
Classification: Likely benign. Review status: no assertion criteria provided. Collection method: clinical testing. Allele origin: germline. Affected: yes. Study: VKGL Data-share Consensus. Not counted in ClinVar's aggregate classification.

NM_017547.4(FOXRED1):c.124A>C (p.Lys42Gln)

Gene: FOXRED1 (FAD dependent oxidoreductase domain containing 1; plus strand). Cytogenetic location: 11q24.2.
Variant type: single nucleotide variant.
Coding change: c.124A>C on transcript NM_017547.4 (MANE Select); coding-DNA position 124, A replaced by C.
Protein change: p.Lys42Gln; replaces lysine 42 with glutamine.
Molecular consequence: missense variant. On other transcripts: non-coding transcript variant (1).
Genome position (GRCh38, 1-based): chr11:126,271,475, A>C. VCF-style: chr11-126271475-A-C. GRCh37 (hg19) VCF-style: chr11-126141370-A-C.
Other names: p.K42Q:AAG>CAG; p.Lys42Gln; short protein forms K42Q.
Identifiers: ClinVar variation 129112 (VCV000129112.64), dbSNP rs148346044, ClinGen allele CA231125.